The following is an entry in ClinVar:

NM_006662.3(SRCAP):c.5530T>C (p.Ser1844Pro)

Gene: SRCAP (Snf2 related CREBBP activator protein; plus strand). Cytogenetic location: 16p11.2.
Variant type: single nucleotide variant.
Coding change: c.5530T>C on transcript NM_006662.3 (MANE Select); coding-DNA position 5530, T replaced by C.
Protein change: p.Ser1844Pro; replaces serine 1844 with proline.
Molecular consequence: missense variant.
Genome position (GRCh38, 1-based): chr16:30,724,954, T>C. VCF-style: chr16-30724954-T-C. GRCh37 (hg19) VCF-style: chr16-30736275-T-C.
Other names: short protein forms S1844P.
Identifiers: ClinVar variation 4883277 (VCV004883277.2).

ClinVar aggregate classification (germline): Uncertain significance (1 of 4 stars; one submission).

Conditions:
Developmental delay, hypotonia, musculoskeletal defects, and behavioral abnormalities. Identifiers: MedGen C5562012, MONDO:0859202, OMIM 619595.

gnomAD v4.1: 89 of 1,614,186 alleles (0.0055%); highest among the groups gnomAD compares: East Asian, 0.19%; 1 homozygote.

Submission:

Dasa
Classification: Uncertain significance for Developmental delay, hypotonia, musculoskeletal defects, and behavioral abnormalities. Last evaluated: 2025-11-17. Review status: criteria provided, single submitter. Criteria: DASA Assertion Criteria. Collection method: clinical testing. Allele origin: germline.
Comment: NM_006662.3(SRCAP):c.5530T>C (p.Ser1844Pro) is a missense variant that results in the substitution of serine with proline. This variant is rare in population databases. The currently available literature and clinical evidence are not sufficient to establish a definitive association between this variant and the reported condition. Therefore, this variant is classified as a variant of uncertain significance.